The following is an entry in ClinVar:

ClinVar aggregate classification (germline): Benign/Likely benign. Review status: criteria provided, multiple submitters, no conflicts (2 of 4 stars). 7 submissions from 7 submitters: Benign (4); Likely benign (1). 2 of the submissions do not count toward it. Last evaluated 2026-01-15.

Conditions:
Bethlem myopathy 1A. Also called: MYOPATHY, BENIGN CONGENITAL, WITH CONTRACTURES; Bethlem myopathy 1; Bethlem Muscular Dystrophy. Identifiers: Orphanet 610, MedGen CN029274, MONDO:0024530, OMIM 158810.
Collagen 6-related myopathy. Identifiers: MedGen CN117976, MONDO:0100225.

Allele frequency attached by ClinVar (database versions not stated): ExAC 0.00200; gnomAD 0.00608 and 0.00644; ESP Exome Variant Server 0.00615; 1000 Genomes Project 0.00679; TOPMed 0.00685; 1000 Genomes Project 30x 0.00765.
gnomAD v4.1: 2,107 of 1,608,434 alleles (0.13%); highest among the groups gnomAD compares: African/African-American, 2.2%; 22 homozygotes.

Submissions (7):

Labcorp Genetics (formerly Invitae), Labcorp
Classification: Benign for Bethlem myopathy 1A. Last evaluated: 2026-01-15. Review status: criteria provided, single submitter. Criteria: Invitae Variant Classification Sherloc (09022015). Collection method: clinical testing. Allele origin: germline.

Blueprint Genetics
Classification: Likely benign. Last evaluated: 2024-11-25. Review status: criteria provided, single submitter. Criteria: ACMG Guidelines, 2015. Collection method: clinical testing. Allele origin: germline.

Mayo Clinic Laboratories, Mayo Clinic
Classification: Benign. Last evaluated: 2023-06-07. Review status: criteria provided, single submitter. Criteria: ACMG Guidelines, 2015. Collection method: clinical testing. Allele origin: germline. Observed: 2 variant alleles.
Comment: BA1, BP4, BP7

Illumina Laboratory Services, Illumina
Classification: Benign for Collagen VI-related myopathy. Last evaluated: 2018-01-12. Review status: criteria provided, single submitter. Criteria: ICSL Variant Classification Criteria 13 December 2019. Collection method: clinical testing. Allele origin: germline.
Comment: This variant was observed in the ICSL laboratory as part of a predisposition screen in an ostensibly healthy population. It had not been previously curated by ICSL or reported in the Human Gene Mutation Database (HGMD: prior to June 1st, 2018), and was therefore a candidate for classification through an automated scoring system. Utilizing variant allele frequency, disease prevalence and penetrance estimates, and inheritance mode, an automated score was calculated to assess if this variant is too frequent to cause the disease. Based on the score and internal cut-off values, a variant classified as benign is not then subjected to further curation. The score for this variant resulted in a classification of benign for this disease.

GeneDx
Classification: Benign. Last evaluated: 2016-07-27. Review status: criteria provided, single submitter. Criteria: GeneDx Variant Classification (06012015). Collection method: clinical testing. Allele origin: germline. Affected: yes.
Comment: This variant is considered likely benign or benign based on one or more of the following criteria: it is a conservative change, it occurs at a poorly conserved position in the protein, it is predicted to be benign by multiple in silico algorithms, and/or has population frequency not consistent with disease.

Clinical Genetics, Academic Medical Center
Classification: Benign. Review status: no assertion criteria provided. Collection method: clinical testing. Allele origin: germline. Affected: yes. Study: VKGL Data-share Consensus. Not counted in ClinVar's aggregate classification.

Laboratory of Diagnostic Genome Analysis, Leiden University Medical Center (LUMC)
Classification: Likely benign. Review status: no assertion criteria provided. Collection method: clinical testing. Allele origin: germline. Affected: yes. Study: VKGL Data-share Consensus. Not counted in ClinVar's aggregate classification.

NM_001849.4(COL6A2):c.2856G>A (p.Thr952=)

Gene: COL6A2 (collagen type VI alpha 2 chain; plus strand). Cytogenetic location: 21q22.3.
Variant type: single nucleotide variant.
Coding change: c.2856G>A on transcript NM_001849.4 (MANE Select); coding-DNA position 2856, G replaced by A.
Protein change: p.Thr952=; no amino-acid change (threonine 952 retained).
Molecular consequence: synonymous variant.
Genome position (GRCh38, 1-based): chr21:46,132,348, G>A. VCF-style: chr21-46132348-G-A. GRCh37 (hg19) VCF-style: chr21-47552262-G-A.
Other names: p.Thr952=.
Identifiers: ClinVar variation 340384 (VCV000340384.21), dbSNP rs138074469, ClinGen allele CA10073060.